The following is an entry in ClinVar:

NM_001093.4(ACACB):c.3061-7G>A

Gene: ACACB (acetyl-CoA carboxylase beta; plus strand). Cytogenetic location: 12q24.11.
Variant type: single nucleotide variant.
Coding change: c.3061-7G>A on transcript NM_001093.4 (MANE Select); 7 bases into the intron before coding-DNA position 3061, G replaced by A.
Molecular consequence: intron variant.
Genome position (GRCh38, 1-based): chr12:109,209,158, G>A. VCF-style: chr12-109209158-G-A. GRCh37 (hg19) VCF-style: chr12-109646963-G-A.
Other names: c.3061-7G>A (NM_001412734.1, NM_001412735.1); c.2434-7G>A (NM_001412737.1); c.2455-7G>A (NM_001412736.1, NM_001412739.1, NM_001412741.1); c.2454+2302G>A (NM_001412738.1).
Identifiers: ClinVar variation 3038437 (VCV003038437.2), dbSNP rs373523396, ClinGen allele CA6773886.

ClinVar aggregate classification (germline): Likely benign (0 of 4 stars; one submission).

Conditions:
ACACB-related disorder. Also called: ACACB-related condition.

Allele frequency attached by ClinVar (database versions not stated): ESP Exome Variant Server 0.00008; ExAC 0.00009; gnomAD 0.00012; TOPMed 0.00014.
gnomAD v4.1: 78 of 1,588,460 alleles (0.0049%); highest among the groups gnomAD compares: Middle Eastern, 0.073%; no homozygotes.

Submission:

PreventionGenetics, part of Exact Sciences
Classification: Likely benign for ACACB-related condition. Last evaluated: 2019-05-28. Review status: no assertion criteria provided. Collection method: clinical testing. Allele origin: germline.
Comment: This variant is classified as likely benign based on ACMG/AMP sequence variant interpretation guidelines (Richards et al. 2015 PMID: 25741868, with internal and published modifications).